The following is an entry in ClinVar:

NM_001376.5(DYNC1H1):c.11207-75del

Gene: DYNC1H1 (dynein cytoplasmic 1 heavy chain 1; plus strand). Cytogenetic location: 14q32.31.
Variant type: Deletion.
Coding change: c.11207-75del on transcript NM_001376.5 (MANE Select); 75 bases into the intron before coding-DNA position 11207, one base deleted (C; older notation c.11207-75delC).
Molecular consequence: intron variant.
Genome position (GRCh38, 1-based): chr14:102,038,926, C deleted. VCF-style (leftmost placement, unchanged base first): chr14-102038925-AC-A. GRCh37 (hg19) VCF-style: chr14-102505262-AC-A.
Identifiers: ClinVar variation 679354 (VCV000679354.1), dbSNP rs17512776, ClinGen allele CA266974039.

ClinVar aggregate classification (germline): Benign (1 of 4 stars; one submission).

Allele frequency attached by ClinVar (database versions not stated): TOPMed 0.05477; gnomAD 0.05879 and 0.06081; 1000 Genomes Project 30x 0.06152; 1000 Genomes Project 0.06170; gnomAD exomes 0.06900.

Submission:

GeneDx
Classification: Benign. Last evaluated: 2018-06-14. Review status: criteria provided, single submitter. Criteria: GeneDx Variant Classification (06012015). Collection method: clinical testing. Allele origin: germline. Affected: yes.
Comment: This variant is considered likely benign or benign based on one or more of the following criteria: it is a conservative change, it occurs at a poorly conserved position in the protein, it is predicted to be benign by multiple in silico algorithms, and/or has population frequency not consistent with disease.